The following is an entry in ClinVar:

ClinVar aggregate classification (germline): Uncertain significance (1 of 4 stars; one submission).

Submission:

Labcorp Genetics (formerly Invitae), Labcorp
Classification: Uncertain significance. Last evaluated: 2024-04-17. Review status: criteria provided, single submitter. Criteria: Invitae Variant Classification Sherloc (09022015). Collection method: clinical testing. Allele origin: germline.
Comment: This sequence change replaces leucine, which is neutral and non-polar, with isoleucine, which is neutral and non-polar, at codon 817 of the KCNQ5 protein (p.Leu817Ile). This variant is not present in population databases (gnomAD no frequency). This variant has not been reported in the literature in individuals affected with KCNQ5-related conditions. ClinVar contains an entry for this variant (Variation ID: 1513537). Advanced modeling of protein sequence and biophysical properties (such as structural, functional, and spatial information, amino acid conservation, physicochemical variation, residue mobility, and thermodynamic stability) performed at Invitae indicates that this missense variant is not expected to disrupt KCNQ5 protein function with a negative predictive value of 95%. In summary, the available evidence is currently insufficient to determine the role of this variant in disease. Therefore, it has been classified as a Variant of Uncertain Significance.

NM_019842.4(KCNQ5):c.2392C>A (p.Leu798Ile)

Gene: KCNQ5 (potassium voltage-gated channel subfamily Q member 5; plus strand). Cytogenetic location: 6q13.
Variant type: single nucleotide variant.
Coding change: c.2392C>A on transcript NM_019842.4 (MANE Select); coding-DNA position 2392, C replaced by A.
Protein change: p.Leu798Ile; replaces leucine 798 with isoleucine.
Molecular consequence: missense variant.
Genome position (GRCh38, 1-based): chr6:73,195,007, C>A. VCF-style: chr6-73195007-C-A. GRCh37 (hg19) VCF-style: chr6-73904730-C-A.
Other names: c.2365C>A, p.Leu789Ile (NM_001160130.2); c.2422C>A, p.Leu808Ile (NM_001160132.2); c.2449C>A, p.Leu817Ile (NM_001160133.2); c.2062C>A, p.Leu688Ile (NM_001160134.2); short protein forms L789I, L798I, L808I, L817I, L688I.
Identifiers: ClinVar variation 1513537 (VCV001513537.8), dbSNP rs2150528137, ClinGen allele CA364696205.